The following is an entry in ClinVar:

ClinVar aggregate classification (germline): Benign/Likely benign. Review status: criteria provided, multiple submitters, no conflicts (2 of 4 stars). 7 submissions from 7 submitters: Benign (3); Likely benign (3). 1 of the submissions does not count toward it. Last evaluated 2026-08-01.

Conditions:
SPAST-related disorder. Also called: SPAST-related condition.
Hereditary spastic paraplegia 4. Also called: Familial spastic paraplegia autosomal dominant 2; Spastic paraplegia 4, autosomal dominant; Spastic Paraplegia 4. Identifiers: Orphanet 100985, MedGen C1866855, MONDO:0008438, OMIM 182601.

Allele frequency attached by ClinVar (database versions not stated): 1000 Genomes Project 30x 0.00141; 1000 Genomes Project 0.00160; TOPMed 0.00182; gnomAD 0.00213 and 0.00230; ESP Exome Variant Server 0.00231; gnomAD exomes 0.00285; ExAC 0.00307.
gnomAD v4.1: 4,560 of 1,524,872 alleles (0.3%); highest among the groups gnomAD compares: South Asian, 0.47%; 16 homozygotes.

Submissions (10):

CeGaT Center for Human Genetics Tuebingen
Classification: Benign. Last evaluated: 2026-08-01. Review status: criteria provided, single submitter. Criteria: CeGaT Center For Human Genetics Tuebingen Variant Classification Criteria Version 2. Collection method: clinical testing. Allele origin: germline. Affected: yes. Observed: 21 variant alleles.
Comment: SPAST: BS1, BS2

Labcorp Genetics (formerly Invitae), Labcorp
Classification: Benign for Hereditary spastic paraplegia 4. Last evaluated: 2026-01-28. Review status: criteria provided, single submitter. Criteria: Invitae Variant Classification Sherloc (09022015). Collection method: clinical testing. Allele origin: germline.

Blueprint Genetics
Classification: Likely benign. Last evaluated: 2024-11-26. Review status: criteria provided, single submitter. Criteria: ACMG Guidelines, 2015. Collection method: clinical testing. Allele origin: germline.

Centre for Mendelian Genomics, University Medical Centre Ljubljana
Classification: Benign for Hereditary spastic paraplegia 4. Last evaluated: 2018-11-08. Review status: criteria provided, single submitter. Criteria: ACMG Guidelines, 2015. Collection method: clinical testing. Allele origin: unknown. Affected: yes.
Comment: This variant was classified as: Benign. The following ACMG criteria were applied in classifying this variant: BS1,BS2.

GeneDx
Classification: Likely benign. Last evaluated: 2017-12-29. Review status: criteria provided, single submitter. Criteria: GeneDx Variant Classification (06012015). Collection method: clinical testing. Allele origin: germline. Affected: yes.
Comment: This variant is considered likely benign or benign based on one or more of the following criteria: it is a conservative change, it occurs at a poorly conserved position in the protein, it is predicted to be benign by multiple in silico algorithms, and/or has population frequency not consistent with disease.

Breakthrough Genomics
Classification: Likely benign. Review status: criteria provided, single submitter. Criteria: ACMG Guidelines, 2015. Collection method: not provided. Allele origin: germline. Inheritance: Autosomal dominant inheritance. Affected: yes.

PreventionGenetics, part of Exact Sciences
Classification: Likely benign for SPAST-related condition. Last evaluated: 2024-01-15. Review status: no assertion criteria provided. Collection method: clinical testing. Allele origin: germline. Not counted in ClinVar's aggregate classification.
Comment: This variant is classified as likely benign based on ACMG/AMP sequence variant interpretation guidelines (Richards et al. 2015 PMID: 25741868, with internal and published modifications).

Dr. Peter K. Rogan Lab, Western University
No classification provided (evidence only). Condition: Lung cancer. Review status: no classification provided. Collection method: in vitro. Allele origin: not applicable. Functional consequence: retained intron. Not counted in ClinVar's aggregate classification.

Dr. Peter K. Rogan Lab, Western University
No classification provided (evidence only). Condition: Acute myeloid leukemia. Review status: no classification provided. Collection method: in vitro. Allele origin: not applicable. Functional consequence: retained intron. Not counted in ClinVar's aggregate classification.

Dr. Peter K. Rogan Lab, Western University
No classification provided (evidence only). Condition: Malignant tumor of esophagus. Review status: no classification provided. Collection method: in vitro. Allele origin: not applicable. Functional consequence: retained intron. Not counted in ClinVar's aggregate classification.

NM_014946.4(SPAST):c.1493+18G>T

Gene: SPAST (spastin; plus strand). Cytogenetic location: 2p22.3.
Variant type: single nucleotide variant.
Coding change: c.1493+18G>T on transcript NM_014946.4 (MANE Select); 18 bases into the intron after coding-DNA position 1493, G replaced by T.
Molecular consequence: intron variant.
Genome position (GRCh38, 1-based): chr2:32,137,206, G>T. VCF-style: chr2-32137206-G-T. GRCh37 (hg19) VCF-style: chr2-32362275-G-T.
Other names: c.1397+18G>T (NM_199436.2, NM_001377959.1); c.1490+18G>T (NM_001363823.2); c.1394+18G>T (NM_001363875.2).
Identifiers: ClinVar variation 240949 (VCV000240949.46), dbSNP rs189961829, ClinGen allele CA1600910.
Genomic context (GRCh38, chr2:32,137,206, plus strand): 5'-GTGCAACTAATAGGCCACAAGAGCTTGATGAGGCTGTTCTCAGGTAGGGAGATTTATATG[G>T]AAATACATGCATTTATTACAGACAATATTTACTCATGTGTCCATCTTACATATTATTTCC-3'